The following is an entry in ClinVar:

ClinVar aggregate classification (germline): Pathogenic (1 of 4 stars; one submission).

Conditions:
Hydrocephalus, nonsyndromic, autosomal recessive 1 (HYC1). Also called: Hydrocephalus, nonsyndromic, autosomal recessive; Congenital hydrocephalus 1. Identifiers: Orphanet 2185, MedGen C3887608, MONDO:0009360, OMIM 236600.

Submission:

Myriad Genetics, Inc.
Classification: Pathogenic for Hydrocephalus, nonsyndromic, autosomal recessive 1. Last evaluated: 2024-07-01. Review status: criteria provided, single submitter. Criteria: Myriad Autosomal Dominant, Autosomal Recessive and X-Linked Classification Criteria (2023). Collection method: clinical testing. Allele origin: unknown.
Comment: NM_001080414.3(CCDC88C):c.2539C>T(Q847*) is expected to be pathogenic in the context of congenital hydrocephalus, CCDC88C-related. This variant is predicted to lead to an abnormal or absent protein product due to the creation of a premature termination codon in CCDC88C, a gene where loss-of-function variants are known to be pathogenic. Please note: this variant was assessed in the context of healthy population screening.

NM_001080414.4(CCDC88C):c.2539C>T (p.Gln847Ter)

Gene: CCDC88C (coiled-coil and HOOK domain protein 88C; minus strand). Cytogenetic location: 14q32.11.
Variant type: single nucleotide variant.
Coding change: c.2539C>T on transcript NM_001080414.4 (MANE Select); coding-DNA position 2539, C replaced by T.
Protein change: p.Gln847Ter; replaces glutamine 847 with a stop codon.
Molecular consequence: nonsense. On other transcripts: non-coding transcript variant (2).
Genome position (GRCh38, 1-based): chr14:91,313,277, G>A on the plus strand (C>T on the coding strand, the complement: CCDC88C is on the minus strand). VCF-style: chr14-91313277-G-A. GRCh37 (hg19) VCF-style: chr14-91779621-G-A.
Other names: short protein forms Q847*.
Identifiers: ClinVar variation 5013261 (VCV005013261.1).